The following is an entry in ClinVar:

NM_032043.3(BRIP1):c.1659A>G (p.Gln553=)

Gene: BRIP1 (BRCA1 interacting DNA helicase 1; minus strand). Cytogenetic location: 17q23.2.
Variant type: single nucleotide variant.
Coding change: c.1659A>G on transcript NM_032043.3 (MANE Select); coding-DNA position 1659, A replaced by G.
Protein change: p.Gln553=; no amino-acid change (glutamine 553 retained).
Molecular consequence: synonymous variant.
Genome position (GRCh38, 1-based): chr17:61,780,975, T>C on the plus strand (A>G on the coding strand, the complement: BRIP1 is on the minus strand). VCF-style: chr17-61780975-T-C. GRCh37 (hg19) VCF-style: chr17-59858336-T-C.
Identifiers: ClinVar variation 233865 (VCV000233865.15), dbSNP rs876660693, ClinGen allele CA10580834.

ClinVar aggregate classification (germline): Benign/Likely benign. Review status: criteria provided, multiple submitters, no conflicts (2 of 4 stars). 5 submissions from 5 submitters: Benign (1); Likely benign (3). 1 of the submissions does not count toward it. Last evaluated 2024-12-06.

Conditions:
BRIP1-related disorder. Also called: BRIP1-related condition; BRIP1-related disorders. Identifiers: MedGen CN239206.
Hereditary cancer-predisposing syndrome. Also called: Tumor predisposition; Hereditary Cancer Syndrome; Hereditary neoplastic syndrome; Neoplastic Syndromes, Hereditary. Identifiers: Orphanet 140162, MedGen C0027672, MeSH D009386, MONDO:0015356.
Fanconi anemia complementation group J. Also called: BRIP1-Related Fanconi Anemia. Identifiers: Orphanet 84, MedGen C1836860, MONDO:0012187, OMIM 609054.
Familial cancer of breast. Also called: hereditary breast carcinoma; BREAST CANCER, FAMILIAL; Hereditary breast cancer. Identifiers: Orphanet 227535, MedGen C0346153, MONDO:0016419, OMIM 114480. Disease mechanism: loss of function.

Allele frequency attached by ClinVar (database versions not stated): TOPMed 0.00001.

Submissions (5):

Labcorp Genetics (formerly Invitae), Labcorp
Classification: Likely benign for Familial cancer of breast; Fanconi anemia complementation group J. Last evaluated: 2024-12-06. Review status: criteria provided, single submitter. Criteria: Invitae Variant Classification Sherloc (09022015). Collection method: clinical testing. Allele origin: germline.

Myriad Genetics, Inc.
Classification: Benign for Familial cancer of breast. Last evaluated: 2024-08-28. Review status: criteria provided, single submitter. Criteria: Myriad Autosomal Dominant, Autosomal Recessive and X-Linked Classification Criteria (2023). Collection method: clinical testing. Allele origin: unknown.
Comment: This variant is considered benign. This variant is a silent/synonymous amino acid change and it is not expected to impact splicing.

Women's Health and Genetics/Laboratory Corporation of America, LabCorp
Classification: Likely benign. Last evaluated: 2019-08-28. Review status: criteria provided, single submitter. Criteria: LabCorp Variant Classification Summary - May 2015. Collection method: clinical testing. Allele origin: germline.

Ambry Genetics
Classification: Likely benign for Hereditary cancer-predisposing syndrome. Last evaluated: 2015-09-13. Review status: criteria provided, single submitter. Criteria: Ambry Variant Classification Scheme 2023. Collection method: clinical testing. Allele origin: germline.

PreventionGenetics, part of Exact Sciences
Classification: Likely benign for BRIP1-related condition. Last evaluated: 2020-05-26. Review status: no assertion criteria provided. Collection method: clinical testing. Allele origin: germline. Not counted in ClinVar's aggregate classification.
Comment: This variant is classified as likely benign based on ACMG/AMP sequence variant interpretation guidelines (Richards et al. 2015 PMID: 25741868, with internal and published modifications).